The following is an entry in ClinVar:

ClinVar aggregate classification (germline): Conflicting classifications of pathogenicity. Review status: criteria provided, conflicting classifications (1 of 4 stars). 4 submissions from 4 submitters: Uncertain significance (2); Likely benign (1). 1 of the submissions does not count toward it. Last evaluated 2019-12-31.

Conditions:
LIPE-related disorder. Also called: LIPE-related condition.

Allele frequency attached by ClinVar (database versions not stated): 1000 Genomes Project 30x 0.00016; 1000 Genomes Project 0.00020; gnomAD 0.00044 and 0.00052; TOPMed 0.00049; ESP Exome Variant Server 0.00085; ExAC 0.00100.
gnomAD v4.1: 1,343 of 1,613,916 alleles (0.083%); highest among the groups gnomAD compares: South Asian, 0.42%; 6 homozygotes.

Submissions (4):

Labcorp Genetics (formerly Invitae), Labcorp
Classification: Likely benign. Last evaluated: 2019-12-31. Review status: criteria provided, single submitter. Criteria: Invitae Variant Classification Sherloc (09022015). Collection method: clinical testing. Allele origin: germline.

Genetic Services Laboratory, University of Chicago
Classification: Uncertain significance. Last evaluated: 2017-06-30. Review status: criteria provided, single submitter. Criteria: ACMG Guidelines, 2015. Collection method: clinical testing. Allele origin: germline. Affected: no.

GeneDx
Classification: Uncertain significance. Last evaluated: 2017-02-06. Review status: criteria provided, single submitter. Criteria: GeneDx Variant Classification (06012015). Collection method: clinical testing. Allele origin: germline. Affected: yes.
Comment: The R333Q variant in the LIPE gene has not been reported previously as a pathogenic variant, nor as a benign variant, to our knowledge. This variant is observed in 67/16144 (0.42%) alleles from individuals of South Asian background, in the ExAC dataset (Lek et al., 2016). The R333Q variant is a semi-conservative amino acid substitution, which may impact secondary protein structure as these residues differ in some properties. This substitution occurs at a position that is conserved across species. In silico analysis predicts this variant is probably damaging to the protein structure/function. We interpret R333Q as a variant of uncertain significance.

PreventionGenetics, part of Exact Sciences
Classification: Likely benign for LIPE-related condition. Last evaluated: 2023-11-09. Review status: no assertion criteria provided. Collection method: clinical testing. Allele origin: germline. Not counted in ClinVar's aggregate classification.
Comment: This variant is classified as likely benign based on ACMG/AMP sequence variant interpretation guidelines (Richards et al. 2015 PMID: 25741868, with internal and published modifications).

NM_005357.4(LIPE):c.998G>A (p.Arg333Gln)

Genes: LIPE (lipase E, hormone sensitive type; minus strand), LIPE-AS1 (LIPE antisense RNA 1; plus strand). Cytogenetic location: 19q13.2.
Variant type: single nucleotide variant.
Coding change: c.998G>A on transcript NM_005357.4 (MANE Select); coding-DNA position 998, G replaced by A.
Protein change: p.Arg333Gln; replaces arginine 333 with glutamine.
Molecular consequence: missense variant.
Genome position (GRCh38, 1-based): chr19:42,410,728, C>T on the plus strand (G>A on the coding strand, the complement: LIPE is on the minus strand). VCF-style: chr19-42410728-C-T. GRCh37 (hg19) VCF-style: chr19-42914880-C-T.
Other names: short protein forms R333Q.
Identifiers: ClinVar variation 393281 (VCV000393281.13), dbSNP rs112497256, ClinGen allele CA9477171.